The following is an entry in ClinVar:

NM_024426.6(WT1):c.225del (p.Ser76fs)

Genes: WT1 (WT1 transcription factor; minus strand), LOC107982234 (WT1/WT1-AS bi-directional promoter region; plus strand). Cytogenetic location: 11p13.
Variant type: Deletion.
Coding change: c.225del on transcript NM_024426.6 (MANE Select); coding-DNA position 225, one base deleted (C; older notation c.225delC).
Protein change: p.Ser76fs; shifts the reading frame from serine 76.
Molecular consequence: frameshift variant. On other transcripts: non-coding transcript variant (2).
Genome position (GRCh38, 1-based): chr11:32,435,136, G deleted on the plus strand (C on the coding strand, the reverse complement: WT1 is on the minus strand). VCF-style (leftmost placement, unchanged base first): chr11-32435135-AG-A. GRCh37 (hg19) VCF-style: chr11-32456681-AG-A.
Other names: c.225del, p.Ser76fs (NM_000378.6, NM_001407044.1, NM_001407045.1 and 6 more transcripts); c.210delC, p.Ser71Profs (NM_024425.2); short protein forms S76fs.
Identifiers: ClinVar variation 2944909 (VCV002944909.3), dbSNP rs2494486169, ClinGen allele CA2740093682.

ClinVar aggregate classification (germline): Pathogenic (1 of 4 stars; one submission).

Conditions:
Frasier syndrome. Identifiers: Orphanet 347, MedGen C0950122, MeSH D052159, MONDO:0007635, OMIM 136680.
Drash syndrome (DDS). Also called: NEPHROPATHY, WILMS TUMOR, AND GENITAL ANOMALIES; WILMS TUMOR AND PSEUDO- OR TRUE HERMAPHRODITISM. Identifiers: Orphanet 220, MedGen C0950121, MONDO:0008682, OMIM 194080.
Wilms tumor 1 (WT1). Also called: Wilms tumor, somatic. Identifiers: Orphanet 654, MedGen CN033288, MONDO:0008679, OMIM 194070.
11p partial monosomy syndrome (WAGR). Also called: WAGR Spectrum Disorder; CHROMOSOME 11p13 DELETION SYNDROME; WAGR syndrome; WAGR Complex. Identifiers: Orphanet 893, MedGen C0206115, MONDO:0008681, OMIM 194072.

Submission:

Labcorp Genetics (formerly Invitae), Labcorp
Classification: Pathogenic for Wilms tumor 1; Drash syndrome; 11p partial monosomy syndrome; Frasier syndrome. Last evaluated: 2023-06-07. Review status: criteria provided, single submitter. Criteria: Invitae Variant Classification Sherloc (09022015). Collection method: clinical testing. Allele origin: germline.
Comment: This variant has not been reported in the literature in individuals affected with WT1-related conditions. For these reasons, this variant has been classified as Pathogenic. This variant is not present in population databases (gnomAD no frequency). This sequence change creates a premature translational stop signal (p.Ser71Profs*6) in the WT1 gene. It is expected to result in an absent or disrupted protein product. Loss-of-function variants in WT1 are known to be pathogenic (PMID: 15150775).

Literature cited by the submitters: PubMed 15150775.